The following is an entry in ClinVar:

ClinVar aggregate classification (germline): Uncertain significance (1 of 4 stars; one submission).

Conditions:
Meckel-Gruber syndrome. Also called: DYSENCEPHALIA SPLANCHNOCYSTICA; GRUBER SYNDROME; Dysencephalia splachnocystica. Identifiers: Orphanet 564, MedGen C0265215, MONDO:0018921.
Joubert syndrome. Also called: CEREBELLOPARENCHYMAL DISORDER IV; JOUBERT-BOLTSHAUSER SYNDROME; Familial aplasia of the vermis. Identifiers: Orphanet 475, MedGen C5979921, MONDO:0018772.

Submission:

Labcorp Genetics (formerly Invitae), Labcorp
Classification: Uncertain significance for Joubert syndrome; Meckel-Gruber syndrome. Last evaluated: 2024-04-08. Review status: criteria provided, single submitter. Criteria: Invitae Variant Classification Sherloc (09022015). Collection method: clinical testing. Allele origin: germline.
Comment: This sequence change replaces methionine, which is neutral and non-polar, with valine, which is neutral and non-polar, at codon 766 of the RPGRIP1L protein (p.Met766Val). This variant is not present in population databases (gnomAD no frequency). This variant has not been reported in the literature in individuals affected with RPGRIP1L-related conditions. ClinVar contains an entry for this variant (Variation ID: 1494459). Advanced modeling of protein sequence and biophysical properties (such as structural, functional, and spatial information, amino acid conservation, physicochemical variation, residue mobility, and thermodynamic stability) performed at Invitae indicates that this missense variant is not expected to disrupt RPGRIP1L protein function with a negative predictive value of 80%. In summary, the available evidence is currently insufficient to determine the role of this variant in disease. Therefore, it has been classified as a Variant of Uncertain Significance.

NM_015272.5(RPGRIP1L):c.2296A>G (p.Met766Val)

Gene: RPGRIP1L (RPGRIP1 like; minus strand). Cytogenetic location: 16q12.2.
Variant type: single nucleotide variant.
Coding change: c.2296A>G on transcript NM_015272.5 (MANE Select); coding-DNA position 2296, A replaced by G.
Protein change: p.Met766Val; replaces methionine 766 with valine.
Molecular consequence: missense variant.
Genome position (GRCh38, 1-based): chr16:53,648,972, T>C on the plus strand (A>G on the coding strand, the complement: RPGRIP1L is on the minus strand). VCF-style: chr16-53648972-T-C. GRCh37 (hg19) VCF-style: chr16-53682884-T-C.
Other names: c.2296A>G, p.Met766Val (NM_001127897.4, NM_001308334.3, NM_001330538.2); short protein forms M766V.
Identifiers: ClinVar variation 1494459 (VCV001494459.5), dbSNP rs2151101589, ClinGen allele CA395915314.
Genomic context (GRCh38, chr16:53,648,972, plus strand): 5'-ATATTATAAAATTTCTATGTCATAAAAGGGTCTTAAAGCCAAATGAGCTTACCGACTGCA[T>C]ATGCTCTGGCCCCTTAAAATTTGATGTTATATACCCCAAAGCCTTTGCCCTTTCTCGATA-3'
Protein context (NP_056087.2, residues 756-776): ITSNFKGPEH[Met766Val]QSLSQQAPKT